The following is an entry in ClinVar:

ClinVar aggregate classification (germline): Uncertain significance. Review status: criteria provided, multiple submitters, no conflicts (2 of 4 stars). 2 submissions from 2 submitters: Uncertain significance (2). Last evaluated 2022-07-25.

Conditions:
Developmental and epileptic encephalopathy, 8 (DEE8). Also called: HYPEREKPLEXIA AND EPILEPSY. Identifiers: Orphanet 163985, Orphanet 2076, MedGen C1845102, MONDO:0010375, OMIM 300607.

Allele frequency attached by ClinVar (database versions not stated): gnomAD exomes below 0.00001.
gnomAD v4.1: 2 of 1,210,755 alleles (0.00017%); highest among the groups gnomAD compares: East Asian, 0.003%; no homozygotes.

Submissions (2):

Labcorp Genetics (formerly Invitae), Labcorp
Classification: Uncertain significance for Developmental and epileptic encephalopathy, 8. Last evaluated: 2022-07-25. Review status: criteria provided, single submitter. Criteria: Invitae Variant Classification Sherloc (09022015). Collection method: clinical testing. Allele origin: germline.
Comment: In summary, the available evidence is currently insufficient to determine the role of this variant in disease. Therefore, it has been classified as a Variant of Uncertain Significance. Algorithms developed to predict the effect of missense changes on protein structure and function are either unavailable or do not agree on the potential impact of this missense change (SIFT: "Deleterious"; PolyPhen-2: "Probably Damaging"; Align-GVGD: "Class C0"). This missense change has been observed in individual(s) with clinical features of ARHGEF9-related conditions (PMID: 33860439). This variant is not present in population databases (gnomAD no frequency). This sequence change replaces arginine, which is basic and polar, with cysteine, which is neutral and slightly polar, at codon 287 of the ARHGEF9 protein (p.Arg287Cys).

Blueprint Genetics
Classification: Uncertain significance. Last evaluated: 2020-12-07. Review status: criteria provided, single submitter. Criteria: ACMG Guidelines, 2015. Collection method: clinical testing. Allele origin: germline.

Literature cited by the submitters: PubMed 33860439 (cited by Labcorp Genetics (formerly Invitae), Labcorp).

NM_001353921.2(ARHGEF9):c.880C>T (p.Arg294Cys)

Gene: ARHGEF9 (Cdc42 guanine nucleotide exchange factor 9; minus strand). Cytogenetic location: Xq11.1.
Variant type: single nucleotide variant.
Coding change: c.880C>T on transcript NM_001353921.2 (MANE Select); coding-DNA position 880, C replaced by T.
Protein change: p.Arg294Cys; replaces arginine 294 with cysteine.
Molecular consequence: missense variant.
Genome position (GRCh38, 1-based): chrX:63,674,103, G>A on the plus strand (C>T on the coding strand, the complement: ARHGEF9 is on the minus strand). VCF-style: chrX-63674103-G-A. GRCh37 (hg19) VCF-style: chrX-62893983-G-A.
Other names: c.700C>T, p.Arg234Cys (NM_001173479.2); c.553C>T, p.Arg185Cys (NM_001173480.2, NM_001369042.1); c.796C>T, p.Arg266Cys (NM_001330495.2, NM_001353927.2, NM_001369033.1 and 8 more transcripts); c.880C>T, p.Arg294Cys (NM_001353922.2); c.898C>T, p.Arg300Cys (NM_001353923.1); c.679C>T, p.Arg227Cys (NM_001353924.2, NM_001353926.2, NM_001369039.1 and 1 more transcripts); c.859C>T, p.Arg287Cys (NM_001353928.2, NM_001369030.1, NM_001369031.1 and 2 more transcripts); c.445C>T, p.Arg149Cys (NM_001369045.1); short protein forms R149C, R227C, R287C, R234C, R266C, R294C, R185C, R300C.
Identifiers: ClinVar variation 2180930 (VCV002180930.5), dbSNP rs2050116966, ClinGen allele CA413406050.
Genomic context (GRCh38, chrX:63,674,103, plus strand): 5'-AGTCTAGGACAGAAGCCTGCCACTGAGCAATCTTGTCAATATTCTCTAAACGTCGCTTGC[G>A]TTCGTTGATCTGCTGAGTCACATTTCTCATGACAGCCAAAGCAGCTGCCACATACCTGTA-3'
Protein context (NP_001340850.1, residues 284-304): MRNVTQQINE[Arg294Cys]KRRLENIDKI